The following is an entry in ClinVar:

NM_000478.6(ALPL):c.1507G>A (p.Ala503Thr)

Gene: ALPL (alkaline phosphatase, biomineralization associated; plus strand). Cytogenetic location: 1p36.12.
Variant type: single nucleotide variant.
Coding change: c.1507G>A on transcript NM_000478.6 (MANE Select); coding-DNA position 1507, G replaced by A.
Protein change: p.Ala503Thr; replaces alanine 503 with threonine.
Molecular consequence: missense variant.
Genome position (GRCh38, 1-based): chr1:21,577,580, G>A. VCF-style: chr1-21577580-G-A. GRCh37 (hg19) VCF-style: chr1-21904073-G-A.
Other names: c.1342G>A, p.Ala448Thr (NM_001127501.4); c.1276G>A, p.Ala426Thr (NM_001177520.3); c.1507G>A, p.Ala503Thr (NM_001369803.2, NM_001369804.2, NM_001369805.2); short protein forms A503T, A426T, A448T.
Identifiers: ClinVar variation 1525628 (VCV001525628.3), dbSNP rs1644757745, ClinGen allele CA338882473.

ClinVar aggregate classification (germline): Uncertain significance (1 of 4 stars; one submission).

Submission:

Labcorp Genetics (formerly Invitae), Labcorp
Classification: Uncertain significance. Last evaluated: 2021-10-27. Review status: criteria provided, single submitter. Criteria: Invitae Variant Classification Sherloc (09022015). Collection method: clinical testing. Allele origin: germline.
Comment: This sequence change replaces alanine, which is neutral and non-polar, with threonine, which is neutral and polar, at codon 503 of the ALPL protein (p.Ala503Thr). This variant is not present in population databases (gnomAD no frequency). This variant has not been reported in the literature in individuals affected with ALPL-related conditions. Advanced modeling of protein sequence and biophysical properties (such as structural, functional, and spatial information, amino acid conservation, physicochemical variation, residue mobility, and thermodynamic stability) performed at Invitae indicates that this missense variant is not expected to disrupt ALPL protein function. In summary, the available evidence is currently insufficient to determine the role of this variant in disease. Therefore, it has been classified as a Variant of Uncertain Significance.